The following is an entry in ClinVar:

ClinVar aggregate classification (germline): Uncertain significance. Review status: criteria provided, multiple submitters, no conflicts (2 of 4 stars). 2 submissions from 2 submitters: Uncertain significance (2). Last evaluated 2025-06-16.

Conditions:
Proteinuria, chronic benign. Identifiers: MedGen C5394384, MONDO:0030042, OMIM 618884.
Imerslund-Grasbeck syndrome type 1 (IGS1). Also called: Megaloblastic anemia 1, Finnish type; Imerslund-Gräsbeck syndrome 1; MEGALOBLASTIC ANEMIA, 1. Identifiers: MedGen C4016819, MONDO:0100156, OMIM 261100.
Imerslund-Grasbeck syndrome. Also called: Imerslund-Gräsbeck syndrome; ENTEROCYTE COBALAMIN MALABSORPTION; ENTEROCYTE INTRINSIC FACTOR RECEPTOR, DEFECT OF; PERNICIOUS ANEMIA, JUVENILE, DUE TO SELECTIVE INTESTINAL MALABSORPTION OF VITAMIN B12, WITH PROTEINURIA; Megaloblastic anemia due to inborn errors of metabolism. Identifiers: Orphanet 35858, MedGen C4551825, MONDO:0009853.

Allele frequency attached by ClinVar (database versions not stated): gnomAD 0.00001; gnomAD exomes 0.00002; ExAC 0.00003; ESP Exome Variant Server 0.00008; 1000 Genomes Project 30x 0.00016.
gnomAD v4.1: 33 of 1,613,438 alleles (0.002%); highest among the groups gnomAD compares: African/African-American, 0.0067%; no homozygotes.

Submissions (2):

Labcorp Genetics (formerly Invitae), Labcorp
Classification: Uncertain significance for Imerslund-Grasbeck syndrome. Last evaluated: 2025-06-16. Review status: criteria provided, single submitter. Criteria: Invitae Variant Classification Sherloc (09022015). Collection method: clinical testing. Allele origin: germline.
Comment: This sequence change replaces glycine, which is neutral and non-polar, with serine, which is neutral and polar, at codon 2856 of the CUBN protein (p.Gly2856Ser). This variant is present in population databases (rs371139445, gnomAD 0.006%). This variant has not been reported in the literature in individuals affected with CUBN-related conditions. ClinVar contains an entry for this variant (Variation ID: 1060913). Invitae Evidence Modeling of protein sequence and biophysical properties (such as structural, functional, and spatial information, amino acid conservation, physicochemical variation, residue mobility, and thermodynamic stability) indicates that this missense variant is not expected to disrupt CUBN protein function with a negative predictive value of 80%. In summary, the available evidence is currently insufficient to determine the role of this variant in disease. Therefore, it has been classified as a Variant of Uncertain Significance.

Fulgent Genetics
Classification: Uncertain significance for Imerslund-Grasbeck syndrome type 1; Proteinuria, chronic benign. Last evaluated: 2022-05-06. Review status: criteria provided, single submitter. Criteria: ACMG Guidelines, 2015. Collection method: clinical testing. Allele origin: unknown.

NM_001081.4(CUBN):c.8566G>A (p.Gly2856Ser)

Gene: CUBN (cubilin; minus strand). Cytogenetic location: 10p13.
Variant type: single nucleotide variant.
Coding change: c.8566G>A on transcript NM_001081.4 (MANE Select); coding-DNA position 8566, G replaced by A.
Protein change: p.Gly2856Ser; replaces glycine 2856 with serine.
Molecular consequence: missense variant.
Genome position (GRCh38, 1-based): chr10:16,899,028, C>T on the plus strand (G>A on the coding strand, the complement: CUBN is on the minus strand). VCF-style: chr10-16899028-C-T. GRCh37 (hg19) VCF-style: chr10-16941027-C-T.
Other names: short protein forms G2856S.
Identifiers: ClinVar variation 1060913 (VCV001060913.10), dbSNP rs371139445, ClinGen allele CA5422995.